The following is an entry in ClinVar:

ClinVar aggregate classification (germline): Conflicting classifications of pathogenicity. Review status: criteria provided, conflicting classifications (1 of 4 stars). 2 submissions from 2 submitters: Uncertain significance (1); Likely benign (1). Last evaluated 2024-10-12.

Allele frequency attached by ClinVar (database versions not stated): TOPMed 0.00001; gnomAD 0.00002; gnomAD exomes 0.00002.
gnomAD v4.1: 32 of 1,613,698 alleles (0.002%); highest among the groups gnomAD compares: Non-Finnish European, 0.0024%; no homozygotes.

Submissions (2):

Labcorp Genetics (formerly Invitae), Labcorp
Classification: Likely benign. Last evaluated: 2024-10-12. Review status: criteria provided, single submitter. Criteria: Invitae Variant Classification Sherloc (09022015). Collection method: clinical testing. Allele origin: germline.

Centre of Medical Genetics, University Hospital Muenster
Classification: Uncertain significance. Last evaluated: 2022-11-08. Review status: criteria provided, single submitter. Criteria: ACMG Guidelines, 2015. Collection method: clinical testing. Allele origin: unknown. Affected: yes. Observed: 1 variant allele, 1 heterozygote.
Comment: ACMG categories: PM2,BP1

NM_006766.5(KAT6A):c.2599C>T (p.Arg867Cys)

Gene: KAT6A (lysine acetyltransferase 6A; minus strand). Cytogenetic location: 8p11.21.
Variant type: single nucleotide variant.
Coding change: c.2599C>T on transcript NM_006766.5 (MANE Select); coding-DNA position 2599, C replaced by T.
Protein change: p.Arg867Cys; replaces arginine 867 with cysteine.
Molecular consequence: missense variant.
Genome position (GRCh38, 1-based): chr8:41,941,282, G>A on the plus strand (C>T on the coding strand, the complement: KAT6A is on the minus strand). VCF-style: chr8-41941282-G-A. GRCh37 (hg19) VCF-style: chr8-41798800-G-A.
Other names: short protein forms R867C.
Identifiers: ClinVar variation 2430329 (VCV002430329.5), dbSNP rs998720218, ClinGen allele CA175944600.